The following is an entry in ClinVar:

NM_000540.3(RYR1):c.11434C>T (p.Gln3812Ter)

Gene: RYR1 (ryanodine receptor 1; plus strand). Cytogenetic location: 19q13.2.
Variant type: single nucleotide variant.
Coding change: c.11434C>T on transcript NM_000540.3 (MANE Select); coding-DNA position 11434, C replaced by T.
Protein change: p.Gln3812Ter; replaces glutamine 3812 with a stop codon.
Molecular consequence: nonsense.
Genome position (GRCh38, 1-based): chr19:38,535,215, C>T. VCF-style: chr19-38535215-C-T. GRCh37 (hg19) VCF-style: chr19-39025855-C-T.
Other names: c.11419C>T, p.Gln3807Ter (NM_001042723.2); short protein forms Q3807*, Q3812*.
Identifiers: ClinVar variation 1895487 (VCV001895487.5), dbSNP rs2514530658, ClinGen allele CA405655527.

ClinVar aggregate classification (germline): Pathogenic (1 of 4 stars; one submission).

Conditions:
RYR1-related disorder. Also called: RYR1-related condition; RYR1-related disorders. Identifiers: MedGen CN239331.

Allele frequency attached by ClinVar (database versions not stated): gnomAD exomes below 0.00001.
gnomAD v4.1: 1 of 1,614,114 alleles (0.000062%); highest among the groups gnomAD compares: Admixed American, 0.0017%; no homozygotes.

Submission:

Labcorp Genetics (formerly Invitae), Labcorp
Classification: Pathogenic for RYR1-related disorder. Last evaluated: 2021-12-16. Review status: criteria provided, single submitter. Criteria: Invitae Variant Classification Sherloc (09022015). Collection method: clinical testing. Allele origin: germline.
Comment: For these reasons, this variant has been classified as Pathogenic. This variant has not been reported in the literature in individuals affected with RYR1-related conditions. This variant is not present in population databases (gnomAD no frequency). This sequence change creates a premature translational stop signal (p.Gln3812*) in the RYR1 gene. It is expected to result in an absent or disrupted protein product. Loss-of-function variants in RYR1 are known to be pathogenic (PMID: 20583297, 20839240, 23919265, 28818389).

Literature cited by the submitters: PubMed 20583297; PubMed 20839240; PubMed 23919265; PubMed 28818389.